The following is an entry in ClinVar:

ClinVar aggregate classification (germline): Uncertain significance (1 of 4 stars; one submission).

Submission:

Labcorp Genetics (formerly Invitae), Labcorp
Classification: Uncertain significance. Last evaluated: 2021-11-27. Review status: criteria provided, single submitter. Criteria: Invitae Variant Classification Sherloc (09022015). Collection method: clinical testing. Allele origin: germline.
Comment: This variant has not been reported in the literature in individuals affected with FZD5-related conditions. Algorithms developed to predict the effect of missense changes on protein structure and function are either unavailable or do not agree on the potential impact of this missense change (SIFT: "Deleterious"; PolyPhen-2: "Probably Damaging"; Align-GVGD: "Class C0"). In summary, the available evidence is currently insufficient to determine the role of this variant in disease. Therefore, it has been classified as a Variant of Uncertain Significance. This variant is not present in population databases (gnomAD no frequency). This sequence change replaces valine, which is neutral and non-polar, with methionine, which is neutral and non-polar, at codon 464 of the FZD5 protein (p.Val464Met).

NM_003468.4(FZD5):c.1390G>A (p.Val464Met)

Gene: FZD5 (frizzled class receptor 5; minus strand). Cytogenetic location: 2q33.3.
Variant type: single nucleotide variant.
Coding change: c.1390G>A on transcript NM_003468.4 (MANE Select); coding-DNA position 1390, G replaced by A.
Protein change: p.Val464Met; replaces valine 464 with methionine.
Molecular consequence: missense variant.
Genome position (GRCh38, 1-based): chr2:207,767,350, C>T on the plus strand (G>A on the coding strand, the complement: FZD5 is on the minus strand). VCF-style: chr2-207767350-C-T. GRCh37 (hg19) VCF-style: chr2-208632074-C-T.
Other names: short protein forms V464M.
Identifiers: ClinVar variation 1481087 (VCV001481087.6), dbSNP rs2105851283, ClinGen allele CA350084495.
Genomic context (GRCh38, chr2:207,767,350, plus strand): 5'-AGGTGAGCGCCGCCTCCCAGCTCTCGCGGTAGTGCTGCTCGTACAGGTAGCAGGCCACCA[C>T]AATGCTGGCGGGGACCGTGTAGAGCAGCGTGAAGATGCCGATGCGGATCATGAGCTTCTC-3'
Protein context (NP_003459.2, residues 454-474): TLLYTVPASI[Val464Met]VACYLYEQHY